The following is an entry in ClinVar:

NM_006269.2(RP1):c.2071G>T (p.Ala691Ser)

Gene: RP1 (RP1 axonemal microtubule associated; plus strand). Cytogenetic location: 8q12.1.
Variant type: single nucleotide variant.
Coding change: c.2071G>T on transcript NM_006269.2 (MANE Select); coding-DNA position 2071, G replaced by T.
Protein change: p.Ala691Ser; replaces alanine 691 with serine.
Molecular consequence: missense variant. On other transcripts: intron variant (1).
Genome position (GRCh38, 1-based): chr8:54,625,953, G>T. VCF-style: chr8-54625953-G-T. GRCh37 (hg19) VCF-style: chr8-55538513-G-T.
Other names: c.787+3665G>T (NM_001375654.1); short protein forms A691S.
Identifiers: ClinVar variation 1423294 (VCV001423294.6), dbSNP rs2129316411, ClinGen allele CA370992664.
Genomic context (GRCh38, chr8:54,625,953, plus strand): 5'-AAAAAGAAGAAAAAATCTCGACAGCAAGCAATAAATTCCAGGTATCAAGATGGACAGCTT[G>T]CAACCAAAGGAATTCTTAATAAGAATGAGAGAATAAACACAAAAGGTAGAATTACAAAGG-3'
Protein context (NP_006260.1, residues 681-701): INSRYQDGQL[Ala691Ser]TKGILNKNER

ClinVar aggregate classification (germline): Uncertain significance (1 of 4 stars; one submission).

Submission:

Labcorp Genetics (formerly Invitae), Labcorp
Classification: Uncertain significance. Last evaluated: 2021-08-23. Review status: criteria provided, single submitter. Criteria: Invitae Variant Classification Sherloc (09022015). Collection method: clinical testing. Allele origin: germline.
Comment: This sequence change replaces alanine with serine at codon 691 of the RP1 protein (p.Ala691Ser). The alanine residue is moderately conserved and there is a moderate physicochemical difference between alanine and serine. In summary, the available evidence is currently insufficient to determine the role of this variant in disease. Therefore, it has been classified as a Variant of Uncertain Significance. Algorithms developed to predict the effect of missense changes on protein structure and function (SIFT, PolyPhen-2, Align-GVGD) all suggest that this variant is likely to be tolerated. This variant has not been reported in the literature in individuals affected with RP1-related conditions. This variant is not present in population databases (ExAC no frequency).